The following is an entry in ClinVar:

ClinVar aggregate classification (germline): Uncertain significance. Review status: criteria provided, multiple submitters, no conflicts (2 of 4 stars). 2 submissions from 2 submitters: Uncertain significance (2). Last evaluated 2022-02-25.

Conditions:
Severe combined immunodeficiency due to LCK deficiency. Also called: Immunodeficiency 22. Identifiers: Orphanet 280142, MedGen C4014233, MONDO:0014334, OMIM 615758.

Allele frequency attached by ClinVar (database versions not stated): ExAC 0.00005; gnomAD 0.00005; gnomAD exomes 0.00005 and 0.00017; TOPMed 0.00005; ESP Exome Variant Server 0.00008.

Submissions (2):

Labcorp Genetics (formerly Invitae), Labcorp
Classification: Uncertain significance for Severe combined immunodeficiency due to LCK deficiency. Last evaluated: 2022-02-25. Review status: criteria provided, single submitter. Criteria: Invitae Variant Classification Sherloc (09022015). Collection method: clinical testing. Allele origin: germline.
Comment: This sequence change falls in intron 7 of the LCK gene. It does not directly change the encoded amino acid sequence of the LCK protein. It affects a nucleotide within the consensus splice site. This variant is present in population databases (rs373470036, gnomAD 0.009%). This variant has not been reported in the literature in individuals affected with LCK-related conditions. ClinVar contains an entry for this variant (Variation ID: 498923). Variants that disrupt the consensus splice site are a relatively common cause of aberrant splicing (PMID: 17576681, 9536098). Algorithms developed to predict the effect of sequence changes on RNA splicing suggest that this variant may disrupt the consensus splice site. In summary, the available evidence is currently insufficient to determine the role of this variant in disease. Therefore, it has been classified as a Variant of Uncertain Significance.

Eurofins Ntd Llc (ga)
Classification: Uncertain significance. Last evaluated: 2016-12-08. Review status: criteria provided, single submitter. Criteria: EGL Classification Definitions 2015. Collection method: clinical testing. Allele origin: germline. Observed: 1 variant allele, 1 heterozygote.

Literature cited by the submitters: PubMed 17576681 (cited by Labcorp Genetics (formerly Invitae), Labcorp); PubMed 9536098 (cited by Labcorp Genetics (formerly Invitae), Labcorp).

NM_005356.5(LCK):c.631+3G>A

Gene: LCK (LCK proto-oncogene, Src family tyrosine kinase; plus strand). Cytogenetic location: 1p35.2.
Variant type: single nucleotide variant.
Coding change: c.631+3G>A on transcript NM_005356.5 (MANE Select); 3 bases into the intron after coding-DNA position 631, G replaced by A.
Molecular consequence: intron variant.
Genome position (GRCh38, 1-based): chr1:32,276,066, G>A. VCF-style: chr1-32276066-G-A. GRCh37 (hg19) VCF-style: chr1-32741667-G-A.
Other names: c.631+3G>A (NM_001330468.2, NM_001042771.3).
Identifiers: ClinVar variation 498923 (VCV000498923.6), dbSNP rs373470036, ClinGen allele CA741145.